The following is an entry in ClinVar:

NM_001242896.3(DEPDC5):c.625-17T>C

Gene: DEPDC5 (DEP domain containing 5, GATOR1 subcomplex subunit; plus strand). Cytogenetic location: 22q12.2.
Variant type: single nucleotide variant.
Coding change: c.625-17T>C on transcript NM_001242896.3 (MANE Select); 17 bases into the intron before coding-DNA position 625, T replaced by C.
Molecular consequence: intron variant.
Genome position (GRCh38, 1-based): chr22:31,792,016, T>C. VCF-style: chr22-31792016-T-C. GRCh37 (hg19) VCF-style: chr22-32188002-T-C.
Other names: c.625-17T>C (NM_001364318.2, NM_001136029.4, NM_014662.6 and 7 more transcripts); c.541-17T>C (NM_001369902.1, NM_001369901.1).
Identifiers: ClinVar variation 4705938 (VCV004705938.1).

ClinVar aggregate classification (germline): Uncertain significance (1 of 4 stars; one submission).

Conditions:
Familial focal epilepsy with variable foci (FPEVF). Identifiers: Orphanet 98820, MedGen C1858477, MONDO:0020310.

gnomAD v4.1: 3 of 1,594,926 alleles (0.00019%); highest among the groups gnomAD compares: Non-Finnish European, 0.00026%; no homozygotes.

Submission:

Labcorp Genetics (formerly Invitae), Labcorp
Classification: Uncertain significance for Familial focal epilepsy with variable foci. Last evaluated: 2025-08-15. Review status: criteria provided, single submitter. Criteria: Invitae Variant Classification Sherloc (09022015). Collection method: clinical testing. Allele origin: germline.
Comment: This sequence change falls in intron 10 of the DEPDC5 gene. It does not directly change the encoded amino acid sequence of the DEPDC5 protein. This variant is not present in population databases (gnomAD no frequency). This variant has not been reported in the literature in individuals affected with DEPDC5-related conditions. Algorithms developed to predict the effect of sequence changes on RNA splicing suggest that this variant may disrupt the consensus splice site. In summary, the available evidence is currently insufficient to determine the role of this variant in disease. Therefore, it has been classified as a Variant of Uncertain Significance.